The following is an entry in ClinVar:

ClinVar aggregate classification (germline): Benign (1 of 4 stars; one submission).

Allele frequency attached by ClinVar (database versions not stated): TOPMed 0.48902; 1000 Genomes Project 0.37101.
gnomAD v4.1: 75,069 of 143,398 alleles (52%); highest among the groups gnomAD compares: Non-Finnish European, 67%; 21,680 homozygotes.

Submission:

GeneDx
Classification: Benign. Last evaluated: 2018-06-19. Review status: criteria provided, single submitter. Criteria: GeneDx Variant Classification (06012015). Collection method: clinical testing. Allele origin: germline. Affected: yes.
Comment: This variant is considered likely benign or benign based on one or more of the following criteria: it is a conservative change, it occurs at a poorly conserved position in the protein, it is predicted to be benign by multiple in silico algorithms, and/or has population frequency not consistent with disease.

NM_000528.4(MAN2B1):c.1831-158T>G

Gene: MAN2B1 (mannosidase alpha class 2B member 1; minus strand). Cytogenetic location: 19p13.13.
Variant type: single nucleotide variant.
Coding change: c.1831-158T>G on transcript NM_000528.4 (MANE Select); 158 bases into the intron before coding-DNA position 1831, T replaced by G.
Molecular consequence: intron variant.
Genome position (GRCh38, 1-based): chr19:12,652,618, A>C on the plus strand (T>G on the coding strand, the complement: MAN2B1 is on the minus strand). VCF-style: chr19-12652618-A-C. GRCh37 (hg19) VCF-style: chr19-12763432-A-C.
Other names: c.1828-158T>G (NM_001173498.2).
Identifiers: ClinVar variation 684376 (VCV000684376.1), dbSNP rs4804205, ClinGen allele CA14635921.
Genomic context (GRCh38, chr19:12,652,618, plus strand): 5'-GTCTCACTCTGTAGCCCAGGCTAGAGTACAGTGGTGCAATCTTGGCTCACTGCACCCCCC[A>C]CCTCCCGGGTTCAAGTGATTCTCGTGCCTCAGCTATCCAAGTAGCTGGGATTACAGGTGC-3'